The following is an entry in ClinVar:

ClinVar aggregate classification (germline): Uncertain significance. Review status: criteria provided, multiple submitters, no conflicts (2 of 4 stars). 3 submissions from 3 submitters: Uncertain significance (3). Last evaluated 2024-02-08.

Conditions:
Leber congenital amaurosis 13 (LCA13). Identifiers: MedGen C2675186, MONDO:0012990, OMIM 612712.

Allele frequency attached by ClinVar (database versions not stated): ExAC 0.00001; gnomAD exomes 0.00001; TOPMed 0.00002; gnomAD 0.00003 and 0.00004; ESP Exome Variant Server 0.00008.
gnomAD v4.1: 16 of 1,613,874 alleles (0.00099%); highest among the groups gnomAD compares: African/African-American, 0.008%; no homozygotes.

Submissions (3):

Blueprint Genetics
Classification: Uncertain significance. Last evaluated: 2024-02-08. Review status: criteria provided, single submitter. Criteria: ACMG Guidelines, 2015. Collection method: clinical testing. Allele origin: germline.

Labcorp Genetics (formerly Invitae), Labcorp
Classification: Uncertain significance for Leber congenital amaurosis 13. Last evaluated: 2022-02-18. Review status: criteria provided, single submitter. Criteria: Invitae Variant Classification Sherloc (09022015). Collection method: clinical testing. Allele origin: germline.
Comment: This sequence change replaces valine, which is neutral and non-polar, with methionine, which is neutral and non-polar, at codon 173 of the RDH12 protein (p.Val173Met). This variant is present in population databases (rs376053811, gnomAD 0.008%). This variant has not been reported in the literature in individuals affected with RDH12-related conditions. ClinVar contains an entry for this variant (Variation ID: 1308106). Algorithms developed to predict the effect of missense changes on protein structure and function are either unavailable or do not agree on the potential impact of this missense change (SIFT: "Deleterious"; PolyPhen-2: "Possibly Damaging"; Align-GVGD: "Class C0"). In summary, the available evidence is currently insufficient to determine the role of this variant in disease. Therefore, it has been classified as a Variant of Uncertain Significance.

GeneDx
Classification: Uncertain significance. Last evaluated: 2019-09-05. Review status: criteria provided, single submitter. Criteria: GeneDx Variant Classification Process June 2021. Collection method: clinical testing. Allele origin: germline. Affected: yes.
Comment: In silico analysis, which includes protein predictors and evolutionary conservation, supports that this variant does not alter protein structure/function; Has not been previously published as pathogenic or benign to our knowledge

NM_152443.3(RDH12):c.517G>A (p.Val173Met)

Genes: GPHN (gephyrin; plus strand), RDH12 (retinol dehydrogenase 12; plus strand). Cytogenetic location: 14q24.1.
Variant type: single nucleotide variant.
Coding change: c.517G>A on transcript NM_152443.3 (MANE Select); coding-DNA position 517, G replaced by A.
Protein change: p.Val173Met; replaces valine 173 with methionine.
Molecular consequence: missense variant.
Genome position (GRCh38, 1-based): chr14:67,727,049, G>A. VCF-style: chr14-67727049-G-A. GRCh37 (hg19) VCF-style: chr14-68193766-G-A.
Other names: short protein forms V173M.
Identifiers: ClinVar variation 1308106 (VCV001308106.7), dbSNP rs376053811, ClinGen allele CA7238736.